The following is an entry in ClinVar:

NM_001286.5(CLCN6):c.202A>G (p.Met68Val)

Gene: CLCN6 (chloride voltage-gated channel 6; plus strand). Cytogenetic location: 1p36.22.
Variant type: single nucleotide variant.
Coding change: c.202A>G on transcript NM_001286.5 (MANE Select); coding-DNA position 202, A replaced by G.
Protein change: p.Met68Val; replaces methionine 68 with valine.
Molecular consequence: missense variant. On other transcripts: non-coding transcript variant (1), intron variant (1).
Genome position (GRCh38, 1-based): chr1:11,815,900, A>G. VCF-style: chr1-11815900-A-G. GRCh37 (hg19) VCF-style: chr1-11875957-A-G.
Other names: c.148-715A>G (NM_001256959.2); short protein forms M68V.
Identifiers: ClinVar variation 2008646 (VCV002008646.4), dbSNP rs746358122, ClinGen allele CA595922.

ClinVar aggregate classification (germline): Uncertain significance (1 of 4 stars; one submission).

Allele frequency attached by ClinVar (database versions not stated): gnomAD 0.00001; gnomAD exomes 0.00001; ExAC 0.00002.
gnomAD v4.1: 11 of 1,611,964 alleles (0.00068%); highest among the groups gnomAD compares: South Asian, 0.0066%; no homozygotes.

Submission:

Labcorp Genetics (formerly Invitae), Labcorp
Classification: Uncertain significance. Last evaluated: 2022-06-20. Review status: criteria provided, single submitter. Criteria: Invitae Variant Classification Sherloc (09022015). Collection method: clinical testing. Allele origin: germline.
Comment: This sequence change replaces methionine, which is neutral and non-polar, with valine, which is neutral and non-polar, at codon 68 of the CLCN6 protein (p.Met68Val). This variant is present in population databases (rs746358122, gnomAD 0.01%). This variant has not been reported in the literature in individuals affected with CLCN6-related conditions. Algorithms developed to predict the effect of missense changes on protein structure and function (SIFT, PolyPhen-2, Align-GVGD) all suggest that this variant is likely to be tolerated. In summary, the available evidence is currently insufficient to determine the role of this variant in disease. Therefore, it has been classified as a Variant of Uncertain Significance.